The following is an entry in ClinVar:

ClinVar aggregate classification (germline): Uncertain significance (1 of 4 stars; one submission).

gnomAD v4.1: 2 of 1,605,164 alleles (0.00012%); highest among the groups gnomAD compares: Middle Eastern, 0.017%; no homozygotes.

Submission:

Labcorp Genetics (formerly Invitae), Labcorp
Classification: Uncertain significance. Last evaluated: 2024-07-31. Review status: criteria provided, single submitter. Criteria: Invitae Variant Classification Sherloc (09022015). Collection method: clinical testing. Allele origin: germline.
Comment: This sequence change replaces phenylalanine, which is neutral and non-polar, with isoleucine, which is neutral and non-polar, at codon 1458 of the COL4A4 protein (p.Phe1458Ile). This variant is not present in population databases (gnomAD no frequency). This variant has not been reported in the literature in individuals affected with COL4A4-related conditions. Advanced modeling of protein sequence and biophysical properties (such as structural, functional, and spatial information, amino acid conservation, physicochemical variation, residue mobility, and thermodynamic stability) performed at Invitae indicates that this missense variant is not expected to disrupt COL4A4 protein function with a negative predictive value of 95%. In summary, the available evidence is currently insufficient to determine the role of this variant in disease. Therefore, it has been classified as a Variant of Uncertain Significance.

NM_000092.5(COL4A4):c.4372T>A (p.Phe1458Ile)

Gene: COL4A4 (collagen type IV alpha 4 chain; minus strand). Cytogenetic location: 2q36.3.
Variant type: single nucleotide variant.
Coding change: c.4372T>A on transcript NM_000092.5 (MANE Select); coding-DNA position 4372, T replaced by A.
Protein change: p.Phe1458Ile; replaces phenylalanine 1458 with isoleucine.
Molecular consequence: missense variant.
Genome position (GRCh38, 1-based): chr2:227,010,463, A>T on the plus strand (T>A on the coding strand, the complement: COL4A4 is on the minus strand). VCF-style: chr2-227010463-A-T. GRCh37 (hg19) VCF-style: chr2-227875179-A-T.
Other names: short protein forms F1458I.
Identifiers: ClinVar variation 3607885 (VCV003607885.2).